The following is an entry in ClinVar:

NM_018972.4(GDAP1):c.897A>G (p.Ile299Met)

Gene: GDAP1 (ganglioside induced differentiation associated protein 1; plus strand). Cytogenetic location: 8q21.11.
Variant type: single nucleotide variant.
Coding change: c.897A>G on transcript NM_018972.4 (MANE Select); coding-DNA position 897, A replaced by G.
Protein change: p.Ile299Met; replaces isoleucine 299 with methionine.
Molecular consequence: missense variant. On other transcripts: intron variant (1).
Genome position (GRCh38, 1-based): chr8:74,364,187, A>G. VCF-style: chr8-74364187-A-G. GRCh37 (hg19) VCF-style: chr8-75276422-A-G.
Other names: c.693A>G, p.Ile231Met (NM_001040875.4); c.570A>G, p.Ile190Met (NM_001362929.2, NM_001362932.2); c.723A>G, p.Ile241Met (NM_001362930.2); c.694+1134A>G (NM_001362931.2); short protein forms I231M, I241M, I299M, I190M.
Identifiers: ClinVar variation 2760058 (VCV002760058.3), dbSNP rs778192707, ClinGen allele CA4785213.

ClinVar aggregate classification (germline): Uncertain significance (1 of 4 stars; one submission).

Conditions:
Charcot-Marie-Tooth disease type 4A. Also called: Charcot-Marie-Tooth disease, demyelinating, autosomal recessive, type 4a. Identifiers: Orphanet 99948, MedGen C1859198, MONDO:0008961, OMIM 214400.

Allele frequency attached by ClinVar (database versions not stated): ExAC 0.00001.
gnomAD v4.1: 2 of 1,614,152 alleles (0.00012%); highest among the groups gnomAD compares: South Asian, 0.0022%; no homozygotes.

Submission:

Labcorp Genetics (formerly Invitae), Labcorp
Classification: Uncertain significance for Charcot-Marie-Tooth disease type 4A. Last evaluated: 2023-09-26. Review status: criteria provided, single submitter. Criteria: Invitae Variant Classification Sherloc (09022015). Collection method: clinical testing. Allele origin: germline.
Comment: In summary, the available evidence is currently insufficient to determine the role of this variant in disease. Therefore, it has been classified as a Variant of Uncertain Significance. An algorithm developed to predict the effect of missense changes on protein structure and function (PolyPhen-2) suggests that this variant is likely to be disruptive. This variant has not been reported in the literature in individuals affected with GDAP1-related conditions. This variant is present in population databases (rs778192707, gnomAD 0.003%). This sequence change replaces isoleucine, which is neutral and non-polar, with methionine, which is neutral and non-polar, at codon 299 of the GDAP1 protein (p.Ile299Met).